The following is an entry in ClinVar:

NM_004793.4(LONP1):c.355G>C (p.Asp119His)

Genes: LONP1 (lon peptidase 1, mitochondrial; minus strand), LOC130063270 (ATAC-STARR-seq lymphoblastoid silent region 9931; plus strand). Cytogenetic location: 19p13.3.
Variant type: single nucleotide variant.
Coding change: c.355G>C on transcript NM_004793.4 (MANE Select); coding-DNA position 355, G replaced by C.
Protein change: p.Asp119His; replaces aspartic acid 119 with histidine.
Molecular consequence: missense variant. On other transcripts: non-coding transcript variant (1), intron variant (1).
Genome position (GRCh38, 1-based): chr19:5,719,778, C>G on the plus strand (G>C on the coding strand, the complement: LONP1 is on the minus strand). VCF-style: chr19-5719778-C-G. GRCh37 (hg19) VCF-style: chr19-5719789-C-G.
Other names: c.163G>C, p.Asp55His (NM_001276479.2); c.-160+441G>C (NM_001276480.1); short protein forms D119H, D55H.
Identifiers: ClinVar variation 2976686 (VCV002976686.3), dbSNP rs1169174199, ClinGen allele CA403543484.

ClinVar aggregate classification (germline): Uncertain significance (1 of 4 stars; one submission).

gnomAD v4.1: 2 of 1,613,378 alleles (0.00012%); highest among the groups gnomAD compares: Admixed American, 0.0033%; no homozygotes.

Submission:

Labcorp Genetics (formerly Invitae), Labcorp
Classification: Uncertain significance. Last evaluated: 2024-01-22. Review status: criteria provided, single submitter. Criteria: Invitae Variant Classification Sherloc (09022015). Collection method: clinical testing. Allele origin: germline.
Comment: This sequence change replaces aspartic acid, which is acidic and polar, with histidine, which is basic and polar, at codon 119 of the LONP1 protein (p.Asp119His). This variant is not present in population databases (gnomAD no frequency). This variant has not been reported in the literature in individuals affected with LONP1-related conditions. An algorithm developed to predict the effect of missense changes on protein structure and function (PolyPhen-2) suggests that this variant is likely to be disruptive. In summary, the available evidence is currently insufficient to determine the role of this variant in disease. Therefore, it has been classified as a Variant of Uncertain Significance.